The following is an entry in ClinVar:

NM_014317.5(PDSS1):c.487C>T (p.Arg163Cys)

Gene: PDSS1 (decaprenyl diphosphate synthase subunit 1; plus strand). Cytogenetic location: 10p12.1.
Variant type: single nucleotide variant.
Coding change: c.487C>T on transcript NM_014317.5 (MANE Select); coding-DNA position 487, C replaced by T.
Protein change: p.Arg163Cys; replaces arginine 163 with cysteine.
Molecular consequence: missense variant. On other transcripts: 5 prime UTR variant (1).
Genome position (GRCh38, 1-based): chr10:26,720,237, C>T. VCF-style: chr10-26720237-C-T. GRCh37 (hg19) VCF-style: chr10-27009166-C-T.
Other names: c.487C>T, p.Arg163Cys (NM_001321978.2); c.-24C>T (NM_001321979.2); c.487C>T (NM_014317.3); short protein forms R163C.
Identifiers: ClinVar variation 2047135 (VCV002047135.4), dbSNP rs758353274, ClinGen allele CA5446948.

ClinVar aggregate classification (germline): Uncertain significance. Review status: criteria provided, multiple submitters, no conflicts (2 of 4 stars). 2 submissions from 2 submitters: Uncertain significance (2). Last evaluated 2024-04-22.

Conditions:
Inborn genetic diseases. Identifiers: MedGen C0950123, MeSH D030342.

Allele frequency attached by ClinVar (database versions not stated): ExAC 0.00001; gnomAD exomes 0.00002; gnomAD 0.00003; TOPMed 0.00004.

Submissions (2):

Labcorp Genetics (formerly Invitae), Labcorp
Classification: Uncertain significance. Last evaluated: 2024-04-22. Review status: criteria provided, single submitter. Criteria: Invitae Variant Classification Sherloc (09022015). Collection method: clinical testing. Allele origin: germline.
Comment: This sequence change replaces arginine, which is basic and polar, with cysteine, which is neutral and slightly polar, at codon 163 of the PDSS1 protein (p.Arg163Cys). This variant is present in population databases (rs758353274, gnomAD 0.006%). This variant has not been reported in the literature in individuals affected with PDSS1-related conditions. ClinVar contains an entry for this variant (Variation ID: 2047135). Advanced modeling of protein sequence and biophysical properties (such as structural, functional, and spatial information, amino acid conservation, physicochemical variation, residue mobility, and thermodynamic stability) performed at Invitae indicates that this missense variant is not expected to disrupt PDSS1 protein function with a negative predictive value of 80%. In summary, the available evidence is currently insufficient to determine the role of this variant in disease. Therefore, it has been classified as a Variant of Uncertain Significance.

Ambry Genetics
Classification: Uncertain significance for Inborn genetic diseases. Last evaluated: 2023-12-09. Review status: criteria provided, single submitter. Criteria: Ambry Variant Classification Scheme 2023. Collection method: clinical testing. Allele origin: germline.